The following is an entry in ClinVar:

ClinVar aggregate classification (germline): Pathogenic. Review status: criteria provided, multiple submitters, no conflicts (2 of 4 stars). 3 submissions from 3 submitters: Pathogenic (2). 1 of the submissions does not count toward it. Last evaluated 2025-07-07.

Conditions:
Congenital disorder of glycosylation, type iit. Also called: CDG IIt. Identifiers: MedGen C5394387, MONDO:0030043, OMIM 618885.

Allele frequency attached by ClinVar (database versions not stated): gnomAD exomes below 0.00001.

Submissions (3):

GeneDx
Classification: Pathogenic. Last evaluated: 2025-07-07. Review status: criteria provided, single submitter. Criteria: GeneDx Variant Classification Process June 2021. Collection method: clinical testing. Allele origin: germline.
Comment: Not observed at significant frequency in large population cohorts (gnomAD); Nonsense variant predicted to result in protein truncation or nonsense mediated decay in a gene for which loss of function is a known mechanism of disease; This variant is associated with the following publications: (PMID: 32293671)

SIB Swiss Institute of Bioinformatics
Classification: Pathogenic for Congenital disorder of glycosylation, type iit. Last evaluated: 2020-12-18. Review status: criteria provided, single submitter. Criteria: ACMG Guidelines, 2015. Collection method: curation. Allele origin: unknown.
Comment: This variant is interpreted as Pathogenic for Congenital disorder of glycosylation 2T, autosomal recessive. The following ACMG Tag(s) were applied: Absent from controls (or at extremely low frequency if recessive) in Exome Sequencing Project, 1000 Genomes Project, or Exome Aggregation Consortium (PM2); Predicted nullvariant in a gene where LOF is a known mechanism of disease (PVS1 downgraded to strong); Well-established functional studies show a deleterious effect (PS3).

OMIM
Classification: Pathogenic for CONGENITAL DISORDER OF GLYCOSYLATION, TYPE IIt. Last evaluated: 2020-05-21. Review status: no assertion criteria provided. Collection method: literature only. Allele origin: germline. Not counted in ClinVar's aggregate classification.

Literature cited by the submitters: PubMed 32293671 (cited by SIB Swiss Institute of Bioinformatics and OMIM).

NM_004481.5(GALNT2):c.598C>T (p.Arg200Ter)

Gene: GALNT2 (polypeptide N-acetylgalactosaminyltransferase 2; plus strand). Cytogenetic location: 1q42.13.
Variant type: single nucleotide variant.
Coding change: c.598C>T on transcript NM_004481.5 (MANE Select); coding-DNA position 598, C replaced by T.
Protein change: p.Arg200Ter; replaces arginine 200 with a stop codon.
Molecular consequence: nonsense.
Genome position (GRCh38, 1-based): chr1:230,236,716, C>T. VCF-style: chr1-230236716-C-T. GRCh37 (hg19) VCF-style: chr1-230372462-C-T.
Other names: GALNT2, ARG200TER (rs1431963909); c.484C>T, p.Arg162Ter (NM_001291866.2); c.598C>T (NM_004481.4); short protein forms R200*, R162*.
Identifiers: ClinVar variation 873546 (VCV000873546.5), dbSNP rs1431963909, ClinGen allele CA345181793.